The following is an entry in ClinVar:

ClinVar aggregate classification (germline): Benign/Likely benign. Review status: criteria provided, multiple submitters, no conflicts (2 of 4 stars). 3 submissions from 3 submitters: Benign (1); Likely benign (1). 1 of the submissions does not count toward it. Last evaluated 2025-11-02.

Conditions:
TNS2-related disorder. Also called: TNS2-related condition.

Allele frequency attached by ClinVar (database versions not stated): TOPMed 0.00323; 1000 Genomes Project 0.00359; gnomAD 0.00362; ExAC 0.00375; ESP Exome Variant Server 0.00377; 1000 Genomes Project 30x 0.00390; gnomAD exomes 0.00501.
gnomAD v4.1: 7,815 of 1,613,578 alleles (0.48%); highest among the groups gnomAD compares: South Asian, 0.93%; 32 homozygotes.

Submissions (3):

Labcorp Genetics (formerly Invitae), Labcorp
Classification: Benign. Last evaluated: 2025-11-02. Review status: criteria provided, single submitter. Criteria: Invitae Variant Classification Sherloc (09022015). Collection method: clinical testing. Allele origin: germline.

CeGaT Center for Human Genetics Tuebingen
Classification: Likely benign. Last evaluated: 2023-07-01. Review status: criteria provided, single submitter. Criteria: CeGaT Center For Human Genetics Tuebingen Variant Classification Criteria Version 2. Collection method: clinical testing. Allele origin: germline. Affected: yes. Observed: 3 variant alleles.
Comment: TNS2: BP4, BP7, BS2

PreventionGenetics, part of Exact Sciences
Classification: Likely benign for TNS2-related condition. Last evaluated: 2019-03-06. Review status: no assertion criteria provided. Collection method: clinical testing. Allele origin: germline. Not counted in ClinVar's aggregate classification.
Comment: This variant is classified as likely benign based on ACMG/AMP sequence variant interpretation guidelines (Richards et al. 2015 PMID: 25741868, with internal and published modifications).

NM_170754.4(TNS2):c.114T>C (p.Val38=)

Genes: TNS2 (tensin 2; plus strand), TNS2-AS1 (TNS2 antisense RNA 1; minus strand). Cytogenetic location: 12q13.13.
Variant type: single nucleotide variant.
Coding change: c.114T>C on transcript NM_170754.4 (MANE Select); coding-DNA position 114, T replaced by C.
Protein change: p.Val38=; no amino-acid change (valine 38 retained).
Molecular consequence: synonymous variant. On other transcripts: 5 prime UTR variant (1).
Genome position (GRCh38, 1-based): chr12:53,051,893, T>C. VCF-style: chr12-53051893-T-C. GRCh37 (hg19) VCF-style: chr12-53445677-T-C.
Other names: c.114T>C, p.Val38= (NM_001416202.1, NM_001416204.1); c.45T>C, p.Val15= (NM_001416203.1, NM_015319.3); c.-259T>C (NM_198316.2); c.144T>C (NM_015319.2).
Identifiers: ClinVar variation 2053482 (VCV002053482.29), dbSNP rs147085802, ClinGen allele CA6591783.